The following is an entry in ClinVar:

NM_178857.6(RP1L1):c.4019A>G (p.Glu1340Gly)

Gene: RP1L1 (RP1 like 1). Cytogenetic location: 8p23.1.
Variant type: single nucleotide variant.
Coding change: c.4019A>G on transcript NM_178857.6 (MANE Select); coding-DNA position 4019, A replaced by G.
Protein change: p.Glu1340Gly; replaces glutamic acid 1340 with glycine.
Molecular consequence: missense variant.
Genome position (GRCh38, 1-based): chr8:10,610,079, T>C on the plus strand (A>G on the coding strand, the complement: RP1L1 is on the minus strand). VCF-style: chr8-10610079-T-C. GRCh37 (hg19) VCF-style: chr8-10467589-T-C.
Other names: short protein forms E1340G.
Identifiers: ClinVar variation 361292 (VCV000361292.10), dbSNP rs9657518, ClinGen allele CA10626760.
Genomic context (GRCh38, chr8:10,610,079, plus strand): 5'-TCAATTTCCTCTAACTGCGCCTCTTCTTCTTGCTGTCCTTCTCCTTCTGTTTCTTTAGTT[T>C]CCTCTAACTGCACCCCCTCTTCTTGCAGCCCTTCTTCTGTTTTAGTTTCCTCTAACTGCA-3'
Protein context (NP_849188.4, residues 1330-1350): GLQEEGVQLE[Glu1340Gly]TKETEGEGQQ

ClinVar aggregate classification (germline): Benign. Review status: criteria provided, multiple submitters, no conflicts (2 of 4 stars). 5 submissions from 5 submitters: Benign (4). 1 of the submissions does not count toward it. Last evaluated 2022-05-04.

Conditions:
Occult macular dystrophy (OCMD). Also called: OCCULT MACULAR DYSTROPHY, SUSCEPTIBILITY TO; OMD. Identifiers: Orphanet 247834, MedGen C3150833, MONDO:0013316, OMIM 613587, HP:0030636.

Allele frequency attached by ClinVar (database versions not stated): gnomAD 0.28032 and 0.29170; gnomAD exomes 0.24318; 1000 Genomes Project 0.44149.
gnomAD v4.1: 276,676 of 1,112,562 alleles (25%); highest among the groups gnomAD compares: East Asian, 48%; 39,511 homozygotes.

Submissions (5):

Mendelics
Classification: Benign. Last evaluated: 2022-05-04. Review status: criteria provided, single submitter. Criteria: Mendelics Assertion Criteria 2019. Collection method: clinical testing. Allele origin: germline.

Dubai Health Genomic Medicine Center, Dubai Health
Classification: Benign for Occult macular dystrophy. Last evaluated: 2020-07-01. Review status: criteria provided, single submitter. Criteria: ACMG Guidelines, 2015. Collection method: clinical testing. Allele origin: germline. Affected: yes.

Illumina Laboratory Services, Illumina
Classification: Benign for Occult macular dystrophy. Last evaluated: 2018-01-13. Review status: criteria provided, single submitter. Criteria: ICSL Variant Classification Criteria 13 December 2019. Collection method: clinical testing. Allele origin: germline.
Comment: This variant was observed in the ICSL laboratory as part of a predisposition screen in an ostensibly healthy population. It had not been previously curated by ICSL or reported in the Human Gene Mutation Database (HGMD: prior to June 1st, 2018), and was therefore a candidate for classification through an automated scoring system. Utilizing variant allele frequency, disease prevalence and penetrance estimates, and inheritance mode, an automated score was calculated to assess if this variant is too frequent to cause the disease. Based on the score and internal cut-off values, a variant classified as benign is not then subjected to further curation. The score for this variant resulted in a classification of benign for this disease.

Breakthrough Genomics
Classification: Benign. Review status: criteria provided, single submitter. Criteria: ACMG Guidelines, 2015. Collection method: not provided. Allele origin: germline. Inheritance: Autosomal recessive inheritance. Affected: yes.

Department of Pathology and Laboratory Medicine, Sinai Health System
Classification: Benign. Review status: no assertion criteria provided. Collection method: clinical testing. Allele origin: unknown. Affected: yes. Study: The Canadian Open Genetics Repository (COGR). Not counted in ClinVar's aggregate classification.